The following is an entry in ClinVar:

ClinVar aggregate classification (germline): Likely benign. Review status: criteria provided, multiple submitters, no conflicts (2 of 4 stars). 3 submissions from 3 submitters: Likely benign (2). 1 of the submissions does not count toward it. Last evaluated 2026-01-28.

Conditions:
LYST-related disorder. Also called: LYST-related condition.
Chédiak-Higashi syndrome (CHS). Also called: Chediak-Higashi Syndrome. Identifiers: Orphanet 167, MedGen C0007965, MONDO:0008963, OMIM 214500.

Allele frequency attached by ClinVar (database versions not stated): TOPMed 0.00002; gnomAD 0.00003; gnomAD exomes 0.00011; ExAC 0.00016; 1000 Genomes Project 0.00040; 1000 Genomes Project 30x 0.00047.
gnomAD v4.1: 69 of 1,613,864 alleles (0.0043%); highest among the groups gnomAD compares: South Asian, 0.02%; no homozygotes.

Submissions (3):

Labcorp Genetics (formerly Invitae), Labcorp
Classification: Likely benign for Chédiak-Higashi syndrome. Last evaluated: 2026-01-28. Review status: criteria provided, single submitter. Criteria: Invitae Variant Classification Sherloc (09022015). Collection method: clinical testing. Allele origin: germline.

Blueprint Genetics
Classification: Likely benign. Last evaluated: 2024-08-26. Review status: criteria provided, single submitter. Criteria: ACMG Guidelines, 2015. Collection method: clinical testing. Allele origin: germline.

PreventionGenetics, part of Exact Sciences
Classification: Likely benign for LYST-related condition. Last evaluated: 2022-08-29. Review status: no assertion criteria provided. Collection method: clinical testing. Allele origin: germline. Not counted in ClinVar's aggregate classification.
Comment: This variant is classified as likely benign based on ACMG/AMP sequence variant interpretation guidelines (Richards et al. 2015 PMID: 25741868, with internal and published modifications).

NM_000081.4(LYST):c.8259G>A (p.Ser2753=)

Gene: LYST (lysosomal trafficking regulator; minus strand). Cytogenetic location: 1q42.3.
Variant type: single nucleotide variant.
Coding change: c.8259G>A on transcript NM_000081.4 (MANE Select); coding-DNA position 8259, G replaced by A.
Protein change: p.Ser2753=; no amino-acid change (serine 2753 retained).
Molecular consequence: synonymous variant.
Genome position (GRCh38, 1-based): chr1:235,741,521, C>T on the plus strand (G>A on the coding strand, the complement: LYST is on the minus strand). VCF-style: chr1-235741521-C-T. GRCh37 (hg19) VCF-style: chr1-235904821-C-T.
Other names: c.8259G>A, p.Ser2753= (NM_001301365.1).
Identifiers: ClinVar variation 707325 (VCV000707325.10), dbSNP rs116017878, ClinGen allele CA1465917.